The following is an entry in ClinVar:

ClinVar aggregate classification (germline): Uncertain significance. Review status: criteria provided, multiple submitters, no conflicts (2 of 4 stars). 4 submissions from 4 submitters: Uncertain significance (4). Last evaluated 2026-01-18.

Conditions:
Hereditary cancer-predisposing syndrome. Also called: Neoplastic Syndromes, Hereditary; Tumor predisposition; Hereditary Cancer Syndrome; Hereditary neoplastic syndrome. Identifiers: Orphanet 140162, MedGen C0027672, MeSH D009386, MONDO:0015356.
Familial melanoma. Also called: Hereditary melanoma; Hereditary cutaneous melanoma. Identifiers: Orphanet 618, MedGen C1512419, MONDO:0018961.

Allele frequency attached by ClinVar (database versions not stated): gnomAD exomes below 0.00001; TOPMed below 0.00001; gnomAD 0.00001.

Submissions (4):

Labcorp Genetics (formerly Invitae), Labcorp
Classification: Uncertain significance for Familial melanoma. Last evaluated: 2026-01-18. Review status: criteria provided, single submitter. Criteria: Invitae Variant Classification Sherloc (09022015). Collection method: clinical testing. Allele origin: germline.
Comment: This sequence change replaces valine, which is neutral and non-polar, with alanine, which is neutral and non-polar, at codon 154 of the CDK4 protein (p.Val154Ala). This variant is not present in population databases (gnomAD no frequency). This variant has not been reported in the literature in individuals affected with CDK4-related conditions. ClinVar contains an entry for this variant (Variation ID: 485490). An algorithm developed to predict the effect of missense changes on protein structure and function (PolyPhen-2) suggests that this variant is likely to be disruptive. In summary, the available evidence is currently insufficient to determine the role of this variant in disease. Therefore, it has been classified as a Variant of Uncertain Significance.

Women's Health and Genetics/Laboratory Corporation of America, LabCorp
Classification: Uncertain significance. Last evaluated: 2025-09-29. Review status: criteria provided, single submitter. Criteria: LabCorp Variant Classification Summary - May 2015. Collection method: clinical testing. Allele origin: germline.
Comment: Variant summary: CDK4 c.461T>C (p.Val154Ala) results in a non-conservative amino acid change located in the protein kinase domain (IPR000719) of the encoded protein sequence. Algorithms developed to predict the effect of missense changes on protein structure and function are either unavailable or do not agree on the potential impact of this missense change. The variant was absent in 251478 control chromosomes. The available data on variant occurrences in the general population are insufficient to allow any conclusion about variant significance. To our knowledge, no occurrence of c.461T>C in individuals affected with CDK4-related conditions and no experimental evidence demonstrating its impact on protein function have been reported. ClinVar contains an entry for this variant (Variation ID: 485490). Based on the evidence outlined above, the variant was classified as uncertain significance.

Quest Diagnostics Nichols Institute San Juan Capistrano
Classification: Uncertain significance. Last evaluated: 2024-11-25. Review status: criteria provided, single submitter. Criteria: Quest Diagnostics criteria. Collection method: clinical testing. Allele origin: unknown.
Comment: The CDK4 c.461T>C (p.Val154Ala) variant has not been reported in individuals with CDK4-related conditions in the published literature. The frequency of this variant in the general population, 0.0000066 (1/151786 chromosomes (Genome Aggregation Database)), is uninformative in the assessment of its pathogenicity. Analysis of this variant using bioinformatics tools for the prediction of the effect of amino acid changes on protein structure and function yielded predictions that this variant is damaging. Based on the available information, we are unable to determine the clinical significance of this variant.

Ambry Genetics
Classification: Uncertain significance for Hereditary cancer-predisposing syndrome. Last evaluated: 2023-06-30. Review status: criteria provided, single submitter. Criteria: Ambry Variant Classification Scheme 2023. Collection method: clinical testing. Allele origin: germline.
Comment: The p.V154A variant (also known as c.461T>C), located in coding exon 3 of the CDK4 gene, results from a T to C substitution at nucleotide position 461. The valine at codon 154 is replaced by alanine, an amino acid with similar properties. This amino acid position is well conserved in available vertebrate species. In addition, the in silico prediction for this alteration is inconclusive. Since supporting evidence is limited at this time, the clinical significance of this alteration remains unclear.

NM_000075.4(CDK4):c.461T>C (p.Val154Ala)

Gene: CDK4 (cyclin dependent kinase 4; minus strand). Cytogenetic location: 12q14.1.
Variant type: single nucleotide variant.
Coding change: c.461T>C on transcript NM_000075.4 (MANE Select); coding-DNA position 461, T replaced by C.
Protein change: p.Val154Ala; replaces valine 154 with alanine.
Molecular consequence: missense variant.
Genome position (GRCh38, 1-based): chr12:57,750,984, A>G on the plus strand (T>C on the coding strand, the complement: CDK4 is on the minus strand). VCF-style: chr12-57750984-A-G. GRCh37 (hg19) VCF-style: chr12-58144767-A-G.
Other names: short protein forms V154A.
Identifiers: ClinVar variation 485490 (VCV000485490.18), dbSNP rs1555201304, ClinGen allele CA385546384.
Genomic context (GRCh38, chr12:57,750,984, plus strand): 5'-ACGGGTGTAAGTGCCATCTGGTAGCTGTAGATTCTGGCCAGGCCAAAGTCAGCCAGCTTG[A>G]CTGTTCCACCACTTGTCACCAGAATGTTCTCTGGCTTCAGATCTCGGTGAACGATGCAAT-3'
Protein context (NP_000066.1, residues 144-164): ENILVTSGGT[Val154Ala]KLADFGLARI